The following is an entry in ClinVar:

NM_006017.3(PROM1):c.1414C>T (p.Arg472Ter)

Gene: PROM1 (prominin 1; minus strand). Cytogenetic location: 4p15.32.
Variant type: single nucleotide variant.
Coding change: c.1414C>T on transcript NM_006017.3 (MANE Select); coding-DNA position 1414, C replaced by T.
Protein change: p.Arg472Ter; replaces arginine 472 with a stop codon.
Molecular consequence: nonsense.
Genome position (GRCh38, 1-based): chr4:16,006,578, G>A on the plus strand (C>T on the coding strand, the complement: PROM1 is on the minus strand). VCF-style: chr4-16006578-G-A. GRCh37 (hg19) VCF-style: chr4-16008201-G-A.
Other names: c.1387C>T, p.Arg463Ter (NM_001145847.2, NM_001145848.2, NM_001145851.2 and 4 more transcripts); c.1414C>T, p.Arg472Ter (NM_001145849.2, NM_001145850.2); short protein forms R463*, R472*.
Identifiers: ClinVar variation 866793 (VCV000866793.15), dbSNP rs761152494, ClinGen allele CA2866776.

ClinVar aggregate classification (germline): Pathogenic. Review status: criteria provided, multiple submitters, no conflicts (2 of 4 stars). 4 submissions from 4 submitters: Pathogenic (2). 2 of the submissions do not count toward it. Last evaluated 2025-05-19.

Conditions:
PROM1-related disorder. Also called: PROM1-related condition; PROM1-related disorders.

Allele frequency attached by ClinVar (database versions not stated): gnomAD 0.00001; TOPMed 0.00001; gnomAD exomes 0.00002; ExAC 0.00005.
gnomAD v4.1: 26 of 1,602,716 alleles (0.0016%); highest among the groups gnomAD compares: African/African-American, 0.004%; no homozygotes.

Submissions (4):

Labcorp Genetics (formerly Invitae), Labcorp
Classification: Pathogenic. Last evaluated: 2025-05-19. Review status: criteria provided, single submitter. Criteria: Invitae Variant Classification Sherloc (09022015). Collection method: clinical testing. Allele origin: germline.
Comment: This sequence change creates a premature translational stop signal (p.Arg472*) in the PROM1 gene. It is expected to result in an absent or disrupted protein product. Loss-of-function variants in PROM1 are known to be pathogenic (PMID: 17605048, 19718270, 24154662, 25474345). The frequency data for this variant in the population databases is considered unreliable, as metrics indicate poor data quality at this position in the gnomAD database. This premature translational stop signal has been observed in individual(s) with PROM1-related conditions (PMID: 30029497). ClinVar contains an entry for this variant (Variation ID: 866793). For these reasons, this variant has been classified as Pathogenic.

Blueprint Genetics
Classification: Pathogenic for PROM1-related disorders. Last evaluated: 2024-08-07. Review status: criteria provided, single submitter. Criteria: ACMG Guidelines, 2015. Collection method: clinical testing. Allele origin: germline. Affected: yes. Observed: 5 variant alleles.

Clinical Genetics, Academic Medical Center
Classification: Pathogenic. Review status: no assertion criteria provided. Collection method: clinical testing. Allele origin: germline. Affected: yes. Study: VKGL Data-share Consensus. Not counted in ClinVar's aggregate classification.

Joint Genome Diagnostic Labs from Nijmegen and Maastricht, Radboudumc and MUMC+
Classification: Pathogenic. Review status: no assertion criteria provided. Collection method: clinical testing. Allele origin: germline. Affected: yes. Study: VKGL Data-share Consensus. Not counted in ClinVar's aggregate classification.

Literature cited by the submitters: PubMed 17605048 (cited by Labcorp Genetics (formerly Invitae), Labcorp); PubMed 19718270 (cited by Labcorp Genetics (formerly Invitae), Labcorp); PubMed 24154662 (cited by Labcorp Genetics (formerly Invitae), Labcorp); PubMed 25474345 (cited by Labcorp Genetics (formerly Invitae), Labcorp); PubMed 30029497 (cited by Labcorp Genetics (formerly Invitae), Labcorp).